The following is an entry in ClinVar:

ClinVar aggregate classification (germline): Uncertain significance. Review status: criteria provided, multiple submitters, no conflicts (2 of 4 stars). 2 submissions from 2 submitters: Uncertain significance (2). Last evaluated 2025-04-10.

Conditions:
Hereditary cancer-predisposing syndrome. Also called: Neoplastic Syndromes, Hereditary; Tumor predisposition; Hereditary Cancer Syndrome; Hereditary neoplastic syndrome. Identifiers: Orphanet 140162, MedGen C0027672, MeSH D009386, MONDO:0015356.

Submissions (2):

Ambry Genetics
Classification: Uncertain significance for Hereditary cancer-predisposing syndrome. Last evaluated: 2025-04-10. Review status: criteria provided, single submitter. Criteria: Ambry Variant Classification Scheme 2023. Collection method: clinical testing. Allele origin: germline.
Comment: The p.M526L variant (also known as c.1576A>C), located in coding exon 12 of the APC gene, results from an A to C substitution at nucleotide position 1576. The methionine at codon 526 is replaced by leucine, an amino acid with highly similar properties. This amino acid position is conserved. In addition, in silico predictors for this gene do not accurately predict pathogenicity. Based on the available evidence, the clinical significance of this variant remains unclear.

Color Diagnostics, LLC DBA Color Health
Classification: Uncertain significance for Hereditary cancer-predisposing syndrome. Last evaluated: 2019-08-01. Review status: criteria provided, single submitter. Criteria: ACMG Guidelines, 2015. Collection method: clinical testing. Allele origin: germline.
Comment: This missense variant replaces methionine with leucine at codon 526 of the APC protein. Computational prediction tools and conservation analyses are inconclusive regarding the impact of this variant on the protein function. Computational splicing tools suggest that this variant may not impact RNA splicing. To our knowledge, functional assays have not been performed for this variant nor has this variant been reported in individuals affected with hereditary cancer in the literature. This variant has not been identified in the general population by the Genome Aggregation Database (gnomAD). Available evidence is insufficient to determine the role of this variant in disease conclusively. Therefore, this variant is classified as a Variant of Uncertain Significance.

NM_000038.6(APC):c.1576A>C (p.Met526Leu)

Gene: APC (APC regulator of Wnt signaling pathway; plus strand). Cytogenetic location: 5q22.2.
Variant type: single nucleotide variant.
Coding change: c.1576A>C on transcript NM_000038.6 (MANE Select); coding-DNA position 1576, A replaced by C.
Protein change: p.Met526Leu; replaces methionine 526 with leucine.
Molecular consequence: missense variant.
Genome position (GRCh38, 1-based): chr5:112,827,956, A>C. VCF-style: chr5-112827956-A-C. GRCh37 (hg19) VCF-style: chr5-112163653-A-C.
Other names: c.1576A>C, p.Met526Leu (NM_001127510.3, NM_001354895.2); c.1522A>C, p.Met508Leu (NM_001127511.3); c.1630A>C, p.Met544Leu (NM_001354896.2); c.1606A>C, p.Met536Leu (NM_001354897.2); c.1501A>C, p.Met501Leu (NM_001354898.2); c.1492A>C, p.Met498Leu (NM_001354899.2); c.1453A>C, p.Met485Leu (NM_001354900.2); c.1399A>C, p.Met467Leu (NM_001354901.2); and 5 more; short protein forms M425L, M435L, M508L, M526L, M366L, M400L, M485L, M536L.
Identifiers: ClinVar variation 926152 (VCV000926152.4), dbSNP rs777219286, ClinGen allele CA16024749.